The following is an entry in ClinVar:

NM_021614.4(KCNN2):c.1708T>C (p.Ser570Pro)

Genes: KCNN2 (potassium calcium-activated channel subfamily N member 2; plus strand), LOC101927078 (uncharacterized LOC101927078; minus strand). Cytogenetic location: 5q22.3.
Variant type: single nucleotide variant.
Coding change: c.1708T>C on transcript NM_021614.4 (MANE Select); coding-DNA position 1708, T replaced by C.
Protein change: p.Ser570Pro; replaces serine 570 with proline.
Molecular consequence: missense variant. On other transcripts: non-coding transcript variant (2).
Genome position (GRCh38, 1-based): chr5:114,463,119, T>C. VCF-style: chr5-114463119-T-C. GRCh37 (hg19) VCF-style: chr5-113798816-T-C.
Other names: c.1906T>C, p.Ser636Pro (NM_001372233.1); c.28T>C, p.Ser10Pro (NM_170775.3); short protein forms S10P, S570P, S636P.
Identifiers: ClinVar variation 2579479 (VCV002579479.1), dbSNP rs2531800614, ClinGen allele CA360704418.

ClinVar aggregate classification (germline): Uncertain significance (1 of 4 stars; one submission).

Submission:

GeneDx
Classification: Uncertain significance. Last evaluated: 2023-03-07. Review status: criteria provided, single submitter. Criteria: GeneDx Variant Classification Process June 2021. Collection method: clinical testing. Allele origin: germline. Affected: yes.
Comment: In silico analysis supports that this missense variant has a deleterious effect on protein structure/function; Not observed at significant frequency in large population cohorts (gnomAD); Has not been previously published as pathogenic or benign to our knowledge